The following is an entry in ClinVar:

ClinVar aggregate classification (germline): Benign (1 of 4 stars; one submission).

Conditions:
Tuberous sclerosis 2 (TSC2). Identifiers: Orphanet 805, MedGen C1860707, MONDO:0013199, OMIM 613254.

Submission:

Myriad Genetics, Inc.
Classification: Benign for Tuberous sclerosis 2. Last evaluated: 2025-06-02. Review status: criteria provided, single submitter. Criteria: Myriad Autosomal Dominant, Autosomal Recessive and X-Linked Classification Criteria (2023). Collection method: clinical testing. Allele origin: unknown.
Comment: This variant is considered benign. This variant is a silent/synonymous amino acid change and it is not expected to impact splicing.

NM_000548.5(TSC2):c.4003A>C (p.Arg1335=)

Gene: TSC2 (TSC complex subunit 2; plus strand). Cytogenetic location: 16p13.3.
Variant type: single nucleotide variant.
Coding change: c.4003A>C on transcript NM_000548.5 (MANE Select); coding-DNA position 4003, A replaced by C.
Protein change: p.Arg1335=; no amino-acid change (arginine 1335 retained).
Molecular consequence: synonymous variant. On other transcripts: non-coding transcript variant (5).
Genome position (GRCh38, 1-based): chr16:2,083,814, A>C. VCF-style: chr16-2083814-A-C. GRCh37 (hg19) VCF-style: chr16-2133815-A-C.
Other names: c.3802A>C, p.Arg1268= (NM_001077183.3); c.3934A>C, p.Arg1312= (NM_001114382.3); c.3694A>C, p.Arg1232= (NM_001318827.2); c.3658A>C, p.Arg1220= (NM_001318829.2); c.3271A>C, p.Arg1091= (NM_001318831.2); c.3835A>C, p.Arg1279= (NM_001318832.2); c.3805A>C, p.Arg1269= (NM_001363528.2); c.3871A>C, p.Arg1291= (NM_001370404.1); and 26 more.
Identifiers: ClinVar variation 4071220 (VCV004071220.1).